The following is an entry in ClinVar:

ClinVar aggregate classification (germline): Uncertain significance. Review status: reviewed by expert panel (3 of 4 stars). 6 submissions from 6 submitters: Uncertain significance (1). 5 of the submissions do not count toward it. Last evaluated 2025-03-06.

Conditions:
GP9-related disorder. Also called: GP9-related condition.
Inborn genetic diseases. Identifiers: MedGen C0950123, MeSH D030342.
Bernard Soulier syndrome (BSS). Also called: BLEEDING DISORDER, PLATELET-TYPE, 1; VON WILLEBRAND FACTOR RECEPTOR DEFICIENCY; GLYCOPROTEIN Ib, PLATELET, DEFICIENCY OF; PLATELET GLYCOPROTEIN Ib DEFICIENCY; Giant platelet syndrome; Hemorrhagiparous thrombocytic dystrophy. Identifiers: Orphanet 274, MedGen C0005129, MeSH D001606, MONDO:0009276, OMIM 231200.

Allele frequency attached by ClinVar (database versions not stated): gnomAD exomes 0.00007 and 0.00010; gnomAD 0.00009; ExAC 0.00016; TOPMed 0.00018; 1000 Genomes Project 0.00020; 1000 Genomes Project 30x 0.00031.

Submissions (6):

ClinGen Platelet Disorders Variant Curation Expert Panel, ClinGen
Classification: Uncertain significance for Bernard Soulier syndrome. Last evaluated: 2025-03-06. Review status: reviewed by expert panel. Criteria: ClinGen Platelet ACMG Specifications GP9 V1.0.0. Collection method: curation. Allele origin: germline. Inheritance: Autosomal recessive inheritance.
Comment: The c.334C>T variant in GP9 is a missense variant predicted to cause substitution of arginine by cysteine at amino acid 112 (p.Arg112Cys). The Grpmax Filtering allele frequency in gnomAD v4.1 is 0.0002283 (based on 29/90864 alleles) in the South Asian population, which is above the ClinGen PD VCEP PM2_supporting threshold (<0.0000329) but below the BS1 threshold (>0.0007). The computational predictor REVEL gives a score of 0.263, which is below the ClinGen PD VCEP PP3 threshold of <0.290 and the computational splicing predictor SpliceAI reported a delta score 0.01 for acceptor loss. This variant has been observed heterozygous in at least two macrothrombocytopenia cases but no BSS patients have been reported. In summary this variant is classified as uncertain significance for autosomal recessive Bernard Soulier syndrome, with PD VCEP specified criteria applied: NA.

Ambry Genetics
Classification: Uncertain significance for Inborn genetic diseases. Last evaluated: 2024-12-03. Review status: criteria provided, single submitter. Criteria: Ambry Variant Classification Scheme 2023. Collection method: clinical testing. Allele origin: germline. Not counted in ClinVar's aggregate classification.

Blueprint Genetics
Classification: Uncertain significance. Last evaluated: 2024-11-11. Review status: criteria provided, single submitter. Criteria: ACMG Guidelines, 2015. Collection method: clinical testing. Allele origin: germline. Not counted in ClinVar's aggregate classification.

Labcorp Genetics (formerly Invitae), Labcorp
Classification: Uncertain significance. Last evaluated: 2022-06-02. Review status: criteria provided, single submitter. Criteria: Invitae Variant Classification Sherloc (09022015). Collection method: clinical testing. Allele origin: germline. Not counted in ClinVar's aggregate classification.
Comment: This sequence change replaces arginine, which is basic and polar, with cysteine, which is neutral and slightly polar, at codon 112 of the GP9 protein (p.Arg112Cys). This variant is present in population databases (rs200489927, gnomAD 0.04%). This variant has not been reported in the literature in individuals affected with GP9-related conditions. ClinVar contains an entry for this variant (Variation ID: 900153). Algorithms developed to predict the effect of missense changes on protein structure and function are either unavailable or do not agree on the potential impact of this missense change (SIFT: "Tolerated"; PolyPhen-2: "Possibly Damaging"; Align-GVGD: "Class C0"). In summary, the available evidence is currently insufficient to determine the role of this variant in disease. Therefore, it has been classified as a Variant of Uncertain Significance.

Illumina Laboratory Services, Illumina
Classification: Uncertain significance for Bernard Soulier syndrome. Last evaluated: 2018-01-13. Review status: criteria provided, single submitter. Criteria: ICSL Variant Classification Criteria 13 December 2019. Collection method: clinical testing. Allele origin: germline. Not counted in ClinVar's aggregate classification.

PreventionGenetics, part of Exact Sciences
Classification: Uncertain significance for GP9-related condition. Last evaluated: 2024-07-23. Review status: no assertion criteria provided. Collection method: clinical testing. Allele origin: germline. Not counted in ClinVar's aggregate classification.
Comment: The GP9 c.334C>T variant is predicted to result in the amino acid substitution p.Arg112Cys. To our knowledge, this variant has not been reported in the literature. This variant is reported in 0.043% of alleles in individuals of South Asian descent in gnomAD. At this time, the clinical significance of this variant is uncertain due to the absence of conclusive functional and genetic evidence.

NM_000174.5(GP9):c.334C>T (p.Arg112Cys)

Gene: GP9 (glycoprotein IX platelet; plus strand). Cytogenetic location: 3q21.3.
Variant type: single nucleotide variant.
Coding change: c.334C>T on transcript NM_000174.5 (MANE Select); coding-DNA position 334, C replaced by T.
Protein change: p.Arg112Cys; replaces arginine 112 with cysteine.
Molecular consequence: missense variant.
Genome position (GRCh38, 1-based): chr3:129,062,073, C>T. VCF-style: chr3-129062073-C-T. GRCh37 (hg19) VCF-style: chr3-128780916-C-T.
Other names: NM_000174.5(GP9):c.334C>T; p.Arg112Cys; c.334C>T (NM_000174.4); short protein forms R112C.
Identifiers: ClinVar variation 900153 (VCV000900153.10), dbSNP rs200489927, ClinGen allele CA2602691.